The following is an entry in ClinVar:

NM_000019.4(ACAT1):c.104C>G (p.Ser35Ter)

Gene: ACAT1 (acetyl-CoA acetyltransferase 1; plus strand). Cytogenetic location: 11q22.3.
Variant type: single nucleotide variant.
Coding change: c.104C>G on transcript NM_000019.4 (MANE Select); coding-DNA position 104, C replaced by G.
Protein change: p.Ser35Ter; replaces serine 35 with a stop codon.
Molecular consequence: nonsense. On other transcripts: 5 prime UTR variant (10), non-coding transcript variant (2).
Genome position (GRCh38, 1-based): chr11:108,131,938, C>G. VCF-style: chr11-108131938-C-G. GRCh37 (hg19) VCF-style: chr11-108002665-C-G.
Other names: c.104C>G, p.Ser35Ter (NM_001386677.1, NM_001386678.1); c.-174C>G (NM_001386679.1); c.-167C>G (NM_001386681.1, NM_001386682.1, NM_001386685.1 and 6 more transcripts); short protein forms S35*.
Identifiers: ClinVar variation 2117488 (VCV002117488.4), dbSNP rs2077368830, ClinGen allele CA382506157.

ClinVar aggregate classification (germline): Pathogenic (1 of 4 stars; one submission).

Conditions:
Deficiency of acetyl-CoA acetyltransferase. Also called: Beta-ketothiolase deficiency; MITOCHONDRIAL ACETOACETYL-CoA THIOLASE DEFICIENCY; 3-KETOTHIOLASE DEFICIENCY; 3-OXOTHIOLASE DEFICIENCY. Identifiers: Orphanet 134, MedGen C1536500, MONDO:0008760, OMIM 203750. Disease mechanism: loss of function.

Allele frequency attached by ClinVar (database versions not stated): TOPMed below 0.00001.

Submission:

Labcorp Genetics (formerly Invitae), Labcorp
Classification: Pathogenic for Deficiency of acetyl-CoA acetyltransferase. Last evaluated: 2022-03-26. Review status: criteria provided, single submitter. Criteria: Invitae Variant Classification Sherloc (09022015). Collection method: clinical testing. Allele origin: germline.
Comment: This variant is not present in population databases (gnomAD no frequency). For these reasons, this variant has been classified as Pathogenic. This variant has not been reported in the literature in individuals affected with ACAT1-related conditions. This sequence change creates a premature translational stop signal (p.Ser35*) in the ACAT1 gene. It is expected to result in an absent or disrupted protein product. Loss-of-function variants in ACAT1 are known to be pathogenic (PMID: 7749408).

Literature cited by the submitters: PubMed 7749408.